The following is an entry in ClinVar:

ClinVar aggregate classification (germline): Likely pathogenic (0 of 4 stars; one submission).

Submission:

Leiden Open Variation Database
Classification: Likely pathogenic. Last evaluated: 2019-05-13. Review status: no assertion criteria provided. Collection method: curation. Allele origin: germline. Affected: yes.
Comment: Curators: Marc Tischkowitz, Arleen D. Auerbach. Submitter to LOVD: Andreas Laner.

NM_024675.4(PALB2):c.1642_1643del (p.Ser548fs)

Gene: PALB2 (partner and localizer of BRCA2; minus strand). Cytogenetic location: 16p12.2.
Variant type: Deletion.
Coding change: c.1642_1643del on transcript NM_024675.4 (MANE Select); coding-DNA positions 1642 to 1643, 2 bases deleted (TC; older notation c.1642_1643delTC).
Protein change: p.Ser548fs; shifts the reading frame from serine 548.
Molecular consequence: frameshift variant.
Genome position (GRCh38, 1-based): chr16:23,634,903-23,634,904, GA deleted on the plus strand (TC on the coding strand, the reverse complement: PALB2 is on the minus strand); deleting any 2 consecutive bases within chr16:23,634,903-23,634,905 gives the same sequence; the c. name uses the placement nearest the transcript's 3' end. VCF-style (leftmost placement, unchanged base first): chr16-23634902-TGA-T. GRCh37 (hg19) VCF-style: chr16-23646223-TGA-T.
Other names: short protein forms S548fs.
Identifiers: ClinVar variation 830142 (VCV000830142.1), dbSNP rs763071340, ClinGen allele CA7963688.